The following is an entry in ClinVar:

NM_001378452.1(ITPR1):c.3134A>C (p.Glu1045Ala)

Gene: ITPR1 (inositol 1,4,5-trisphosphate receptor type 1; plus strand). Cytogenetic location: 3p26.1.
Variant type: single nucleotide variant.
Coding change: c.3134A>C on transcript NM_001378452.1 (MANE Select); coding-DNA position 3134, A replaced by C.
Protein change: p.Glu1045Ala; replaces glutamic acid 1045 with alanine.
Molecular consequence: missense variant.
Genome position (GRCh38, 1-based): chr3:4,681,391, A>C. VCF-style: chr3-4681391-A-C. GRCh37 (hg19) VCF-style: chr3-4723075-A-C.
Other names: c.3107A>C, p.Glu1036Ala (NM_001099952.4); c.3089A>C, p.Glu1030Ala (NM_001168272.2); c.3062A>C, p.Glu1021Ala (NM_002222.7); short protein forms E1030A, E1036A, E1021A, E1045A.
Identifiers: ClinVar variation 2123593 (VCV002123593.4), dbSNP rs2469787876, ClinGen allele CA351650413.

ClinVar aggregate classification (germline): Uncertain significance (1 of 4 stars; one submission).

Submission:

Labcorp Genetics (formerly Invitae), Labcorp
Classification: Uncertain significance. Last evaluated: 2022-04-09. Review status: criteria provided, single submitter. Criteria: Invitae Variant Classification Sherloc (09022015). Collection method: clinical testing. Allele origin: germline.
Comment: This sequence change replaces glutamic acid, which is acidic and polar, with alanine, which is neutral and non-polar, at codon 1021 of the ITPR1 protein (p.Glu1021Ala). This variant is not present in population databases (gnomAD no frequency). This variant has not been reported in the literature in individuals affected with ITPR1-related conditions. Algorithms developed to predict the effect of missense changes on protein structure and function (SIFT, PolyPhen-2, Align-GVGD) all suggest that this variant is likely to be tolerated. In summary, the available evidence is currently insufficient to determine the role of this variant in disease. Therefore, it has been classified as a Variant of Uncertain Significance.